The following is an entry in ClinVar:

ClinVar aggregate classification (germline): Conflicting classifications of pathogenicity. Review status: criteria provided, conflicting classifications (1 of 4 stars). 5 submissions from 5 submitters: Uncertain significance (1); Benign (1); Likely benign (2). 1 of the submissions does not count toward it. Last evaluated 2026-05-01.

Conditions:
VSX1-related disorder. Also called: VSX1-related condition.
Posterior polymorphous corneal dystrophy. Also called: CORNEAL DYSTROPHY, HEREDITARY POLYMORPHOUS POSTERIOR; Polymorphous corneal dystrophy. Identifiers: Orphanet 98973, MedGen C0339284, MONDO:0020364, HP:0007915.
Keratoconus 1 (KTCN1). Identifiers: MedGen C1835677, MONDO:0007851, OMIM 148300.

Allele frequency attached by ClinVar (database versions not stated): 1000 Genomes Project 30x 0.00094; 1000 Genomes Project 0.00100; ESP Exome Variant Server 0.00223; gnomAD exomes 0.00270 and 0.00429; gnomAD 0.00288 and 0.00310; ExAC 0.00344; TOPMed 0.00373.
gnomAD v4.1: 6,460 of 1,550,756 alleles (0.42%); highest among the groups gnomAD compares: Non-Finnish European, 0.49%; 24 homozygotes.

Submissions (5):

CeGaT Center for Human Genetics Tuebingen
Classification: Benign. Last evaluated: 2026-05-01. Review status: criteria provided, single submitter. Criteria: CeGaT Center For Human Genetics Tuebingen Variant Classification Criteria Version 2. Collection method: clinical testing. Allele origin: germline. Affected: yes. Observed: 2 variant alleles.
Comment: VSX1: PP3, BS1, BS2

Labcorp Genetics (formerly Invitae), Labcorp
Classification: Likely benign. Last evaluated: 2025-04-14. Review status: criteria provided, single submitter. Criteria: Invitae Variant Classification Sherloc (09022015). Collection method: clinical testing. Allele origin: germline.

Mendelics
Classification: Uncertain significance for Keratoconus 1. Last evaluated: 2019-05-28. Review status: criteria provided, single submitter. Criteria: Mendelics Assertion Criteria 2017. Collection method: clinical testing. Allele origin: unknown.

Illumina Laboratory Services, Illumina
Classification: Likely benign for Polymorphous corneal dystrophy. Last evaluated: 2017-04-27. Review status: criteria provided, single submitter. Criteria: ICSL Variant Classification Criteria 13 December 2019. Collection method: clinical testing. Allele origin: germline.
Comment: This variant was observed as part of a predisposition screen in an ostensibly healthy population. A literature search was performed for the gene, cDNA change, and amino acid change (where applicable). Publications were found based on this search. The evidence from the literature, in combination with allele frequency data from public databases where available, was sufficient to determine this variant is unlikely to cause disease. Therefore, this variant is classified as likely benign.

PreventionGenetics, part of Exact Sciences
Classification: Likely benign for VSX1-related condition. Last evaluated: 2023-07-13. Review status: no assertion criteria provided. Collection method: clinical testing. Allele origin: germline. Not counted in ClinVar's aggregate classification.
Comment: This variant is classified as likely benign based on ACMG/AMP sequence variant interpretation guidelines (Richards et al. 2015 PMID: 25741868, with internal and published modifications).

Literature cited by the submitters: PubMed 16384943 (cited by Illumina Laboratory Services, Illumina).

NM_014588.6(VSX1):c.731A>G (p.His244Arg)

Gene: VSX1 (visual system homeobox 1; minus strand). Cytogenetic location: 20p11.21.
Variant type: single nucleotide variant.
Coding change: c.731A>G on transcript NM_014588.6 (MANE Select); coding-DNA position 731, A replaced by G.
Protein change: p.His244Arg; replaces histidine 244 with arginine.
Molecular consequence: missense variant. On other transcripts: non-coding transcript variant (4), intron variant (1).
Genome position (GRCh38, 1-based): chr20:25,077,762, T>C on the plus strand (A>G on the coding strand, the complement: VSX1 is on the minus strand). VCF-style: chr20-25077762-T-C. GRCh37 (hg19) VCF-style: chr20-25058398-T-C.
Other names: c.731A>G, p.His244Arg (NM_001256272.2); c.38A>G, p.His13Arg (NM_001378633.1); c.627+1067A>G (NM_001256271.2); short protein forms H244R, H13R.
Identifiers: ClinVar variation 337959 (VCV000337959.21), dbSNP rs148957473, ClinGen allele CA9793521.